The following is an entry in ClinVar:

NM_001369268.1(ACAN):c.6545C>G (p.Pro2182Arg)

Gene: ACAN (aggrecan; plus strand). Cytogenetic location: 15q26.1.
Variant type: single nucleotide variant.
Coding change: c.6545C>G on transcript NM_001369268.1 (MANE Select); coding-DNA position 6545, C replaced by G.
Protein change: p.Pro2182Arg; replaces proline 2182 with arginine.
Molecular consequence: missense variant.
Genome position (GRCh38, 1-based): chr15:88,859,130, C>G. VCF-style: chr15-88859130-C-G. GRCh37 (hg19) VCF-style: chr15-89402361-C-G.
Other names: c.6545C>G, p.Pro2182Arg (NM_001135.4, NM_001411096.1, NM_001411097.1 and 1 more transcripts); short protein forms P2182R.
Identifiers: ClinVar variation 3135360 (VCV003135360.3), dbSNP rs551246840, ClinGen allele CA274486077.
Genomic context (GRCh38, chr15:88,859,130, plus strand): 5'-CCGCTGCCCCAGAAGTGAGTGGAGAATCCACCACCACCAGTGATGTGGGGACAGAGGCAC[C>G]AGGCTTGCCTTCAGCCACTCCCACGGCTTCTGGAGACAGGACTGAAATCAGCGGAGACCT-3'
Protein context (NP_001356197.1, residues 2172-2192): TTTSDVGTEA[Pro2182Arg]GLPSATPTAS

ClinVar aggregate classification (germline): Uncertain significance. Review status: criteria provided, multiple submitters, no conflicts (2 of 4 stars). 2 submissions from 2 submitters: Uncertain significance (2). Last evaluated 2025-04-30.

Conditions:
Inborn genetic diseases. Identifiers: MedGen C0950123, MeSH D030342.

gnomAD v4.1: 27 of 1,613,740 alleles (0.0017%); highest among the groups gnomAD compares: East Asian, 0.0022%; no homozygotes.

Submissions (2):

Dasa
Classification: Uncertain significance. Last evaluated: 2025-04-30. Review status: criteria provided, single submitter. Criteria: DASA Assertion Criteria. Collection method: clinical testing. Allele origin: germline.
Comment: NM_001369268.1(ACAN):c.6545C>G (p.Pro2182Arg) is a missense variant that results in the substitution of proline with arginine. This variant is rare in population databases. Computational prediction algorithms are consistent with a benign effect. The currently available literature and clinical evidence are not sufficient to establish a definitive association between this variant and the reported condition. Therefore, this variant is classified as a variant of uncertain significance.

Ambry Genetics
Classification: Uncertain significance for Inborn genetic diseases. Last evaluated: 2024-01-09. Review status: criteria provided, single submitter. Criteria: Ambry Variant Classification Scheme 2023. Collection method: clinical testing. Allele origin: germline.